The following is an entry in ClinVar:

NM_001267550.2(TTN):c.75228A>T (p.Arg25076Ser)

Genes: TTN (titin; minus strand), TTN-AS1 (TTN antisense RNA 1; plus strand). Cytogenetic location: 2q31.2.
Variant type: single nucleotide variant.
Coding change: c.75228A>T on transcript NM_001267550.2 (MANE Select); coding-DNA position 75228, A replaced by T.
Protein change: p.Arg25076Ser; replaces arginine 25076 with serine.
Molecular consequence: missense variant.
Genome position (GRCh38, 1-based): chr2:178,570,904, T>A on the plus strand (A>T on the coding strand, the complement: TTN is on the minus strand). VCF-style: chr2-178570904-T-A. GRCh37 (hg19) VCF-style: chr2-179435631-T-A.
Other names: c.70305A>T, p.Arg23435Ser (NM_001256850.1); c.48033A>T, p.Arg16011Ser (NM_003319.4); c.67524A>T, p.Arg22508Ser (NM_133378.4); c.48408A>T, p.Arg16136Ser (NM_133432.3); c.48609A>T, p.Arg16203Ser (NM_133437.4); short protein forms R16011S, R16136S, R16203S, R22508S, R23435S, R25076S.
Identifiers: ClinVar variation 1802008 (VCV001802008.1), dbSNP rs758951524, ClinGen allele CA1990086.

ClinVar aggregate classification (germline): Uncertain significance (1 of 4 stars; one submission).

Allele frequency attached by ClinVar (database versions not stated): gnomAD exomes below 0.00001; ExAC 0.00001.
gnomAD v4.1: 2 of 1,613,596 alleles (0.00012%); highest among the groups gnomAD compares: Admixed American, 0.0017%; no homozygotes.

Submission:

GeneDx
Classification: Uncertain significance. Last evaluated: 2022-06-01. Review status: criteria provided, single submitter. Criteria: GeneDx Variant Classification Process June 2021. Collection method: clinical testing. Allele origin: germline. Affected: yes.
Comment: Not observed at significant frequency in large population cohorts (gnomAD); Missense variant in a gene in which most reported pathogenic variants are truncating/loss of function; Has not been previously published as pathogenic or benign to our knowledge; This variant is associated with the following publications: (PMID: 23975875)